The following is an entry in ClinVar:

NM_000432.4(MYL2):c.88A>G (p.Lys30Glu)

Genes: MYL2 (myosin light chain 2; minus strand), LOC114827850 (VISTA enhancer hs2149; plus strand). Cytogenetic location: 12q24.11.
Variant type: single nucleotide variant.
Coding change: c.88A>G on transcript NM_000432.4 (MANE Select); coding-DNA position 88, A replaced by G.
Protein change: p.Lys30Glu; replaces lysine 30 with glutamic acid.
Molecular consequence: missense variant.
Genome position (GRCh38, 1-based): chr12:110,919,109, T>C on the plus strand (A>G on the coding strand, the complement: MYL2 is on the minus strand). VCF-style: chr12-110919109-T-C. GRCh37 (hg19) VCF-style: chr12-111356913-T-C.
Other names: c.88A>G, p.Lys30Glu (NM_001406745.1); c.31A>G, p.Lys11Glu (NM_001406916.1); short protein forms K30E, K11E.
Identifiers: ClinVar variation 3724856 (VCV003724856.2).

ClinVar aggregate classification (germline): Uncertain significance (1 of 4 stars; one submission).

Conditions:
Hypertrophic cardiomyopathy 10. Also called: MYL2-Related Familial Hypertrophic Cardiomyopathy; CARDIOMYOPATHY, HYPERTROPHIC, MID-LEFT VENTRICULAR CHAMBER TYPE, 2. Identifiers: MedGen C1834460, MONDO:0012112, OMIM 608758.

Submission:

Labcorp Genetics (formerly Invitae), Labcorp
Classification: Uncertain significance for Hypertrophic cardiomyopathy 10. Last evaluated: 2024-11-12. Review status: criteria provided, single submitter. Criteria: Invitae Variant Classification Sherloc (09022015). Collection method: clinical testing. Allele origin: germline.
Comment: This sequence change replaces lysine, which is basic and polar, with glutamic acid, which is acidic and polar, at codon 30 of the MYL2 protein (p.Lys30Glu). This variant is not present in population databases (gnomAD no frequency). This variant has not been reported in the literature in individuals affected with MYL2-related conditions. An algorithm developed to predict the effect of missense changes on protein structure and function (PolyPhen-2) suggests that this variant is likely to be disruptive. In summary, the available evidence is currently insufficient to determine the role of this variant in disease. Therefore, it has been classified as a Variant of Uncertain Significance.